The following is an entry in ClinVar:

ClinVar aggregate classification (germline): Uncertain significance (1 of 4 stars; one submission).

Conditions:
CYP21A2-related disorder. Also called: CYP21A2-related condition.

Submission:

PreventionGenetics, part of Exact Sciences
Classification: Uncertain significance for CYP21A2-related condition. Last evaluated: 2025-06-06. Review status: criteria provided, single submitter. Criteria: ACMG Guidelines, 2015. Collection method: clinical testing. Allele origin: germline.
Comment: The CYP21A2 c.-82C>T variant is located in the 5' untranslated region. This variant was reported as a variant of uncertain significance (VUS) in a genetic study of 21-hydroxylase deficiency (21-OHD) and genotype-phenotype correlation (Fylaktou et al. 2024. PubMed ID: 39451515). The highest minor allele frequency of this variant reaches 0.46% in the general population with one homozygote documented in a large population variant database (gnomAD v2.1.1). However, this minor allele frequency based on the current next-generation sequencing technology may not be an accurate estimate because this variant is located within a highly homologous sequence region (Mandelker et al. 2016. PubMed ID: 27228465). Of note, promoter variants in CYP21A2 have been reported to reduce transcriptional activities and therefore possibly associated to milder disease expressivity (Zhang et al. 2009. PubMed ID: 18702679; Araújo et al. 2007. PubMed ID: 17666484). At this time, the clinical significance of this variant is uncertain due to the absence of conclusive functional and genetic evidence.

NM_000500.7(CYP21A2):c.-82C>T

Genes: CYP21A2 (cytochrome P450 family 21 subfamily A member 2; plus strand), LOC106780800 (CYP21A2 recombination region; plus strand), LOC110631417 (CYP21A2 5' regulatory region; plus strand). Cytogenetic location: 6p21.33.
Variant type: single nucleotide variant.
Coding change: c.-82C>T on transcript NM_000500.7; 82 bases upstream of the start codon, C replaced by T.
Genome position (GRCh38, 1-based): chr6:32,038,341, C>T. VCF-style: chr6-32038341-C-T. GRCh37 (hg19) VCF-style: chr6-32006118-C-T.
Identifiers: ClinVar variation 4978784 (VCV004978784.1).